The following is an entry in ClinVar:

NM_004655.4(AXIN2):c.1603G>A (p.Ala535Thr)

Gene: AXIN2 (axin 2; minus strand). Cytogenetic location: 17q24.1.
Variant type: single nucleotide variant.
Coding change: c.1603G>A on transcript NM_004655.4 (MANE Select); coding-DNA position 1603, G replaced by A.
Protein change: p.Ala535Thr; replaces alanine 535 with threonine.
Molecular consequence: missense variant.
Genome position (GRCh38, 1-based): chr17:65,537,433, C>T on the plus strand (G>A on the coding strand, the complement: AXIN2 is on the minus strand). VCF-style: chr17-65537433-C-T. GRCh37 (hg19) VCF-style: chr17-63533551-C-T.
Other names: c.1603G>A, p.Ala535Thr (NM_001363813.1); short protein forms A535T.
Identifiers: ClinVar variation 1003256 (VCV001003256.10), dbSNP rs1392915734, ClinGen allele CA400677169.

ClinVar aggregate classification (germline): Uncertain significance. Review status: criteria provided, multiple submitters, no conflicts (2 of 4 stars). 2 submissions from 2 submitters: Uncertain significance (2). Last evaluated 2021-02-26.

Conditions:
Oligodontia-cancer predisposition syndrome. Also called: TOOTH AGENESIS-COLORECTAL CANCER SYNDROME. Identifiers: Orphanet 300576, MedGen C1837750, MONDO:0012075, OMIM 608615. Disease mechanism: loss of function.

Allele frequency attached by ClinVar (database versions not stated): gnomAD exomes below 0.00001.
gnomAD v4.1: 1 of 1,613,980 alleles (0.000062%); highest among the groups gnomAD compares: South Asian, 0.0011%; no homozygotes.

Submissions (2):

Labcorp Genetics (formerly Invitae), Labcorp
Classification: Uncertain significance for Oligodontia-cancer predisposition syndrome. Last evaluated: 2021-02-26. Review status: criteria provided, single submitter. Criteria: Invitae Variant Classification Sherloc (09022015). Collection method: clinical testing. Allele origin: germline.
Comment: In summary, the available evidence is currently insufficient to determine the role of this variant in disease. Therefore, it has been classified as a Variant of Uncertain Significance. Algorithms developed to predict the effect of missense changes on protein structure and function are either unavailable or do not agree on the potential impact of this missense change (SIFT: "Deleterious"; PolyPhen-2: "Probably Damaging"; Align-GVGD: "Class C0"). This variant has not been reported in the literature in individuals with AXIN2-related conditions. This variant is not present in population databases (ExAC no frequency). This sequence change replaces alanine with threonine at codon 535 of the AXIN2 protein (p.Ala535Thr). The alanine residue is highly conserved and there is a small physicochemical difference between alanine and threonine.

GeneDx
Classification: Uncertain significance. Last evaluated: 2019-08-19. Review status: criteria provided, single submitter. Criteria: GeneDx Variant Classification Process June 2021. Collection method: clinical testing. Allele origin: germline. Affected: yes.
Comment: Not observed at a significant frequency in large population cohorts (Lek 2016); In silico analysis, which includes protein predictors and evolutionary conservation, supports that this variant does not alter protein structure/function; Has not been previously published as pathogenic or benign to our knowledge